The following is an entry in ClinVar:

ClinVar aggregate classification (germline): Uncertain significance (1 of 4 stars; one submission).

Conditions:
Cortical dysplasia-focal epilepsy syndrome (PTHSL1). Also called: Pitt-Hopkins-like syndrome 1. Identifiers: Orphanet 163681, Orphanet 221150, MedGen C2750246, MONDO:0012400, OMIM 610042.

Submission:

Labcorp Genetics (formerly Invitae), Labcorp
Classification: Uncertain significance for Cortical dysplasia-focal epilepsy syndrome. Last evaluated: 2022-03-11. Review status: criteria provided, single submitter. Criteria: Invitae Variant Classification Sherloc (09022015). Collection method: clinical testing. Allele origin: germline.
Comment: In summary, the available evidence is currently insufficient to determine the role of this variant in disease. Therefore, it has been classified as a Variant of Uncertain Significance. Algorithms developed to predict the effect of missense changes on protein structure and function are either unavailable or do not agree on the potential impact of this missense change (SIFT: "Deleterious"; PolyPhen-2: "Probably Damaging"; Align-GVGD: "Class C0"). This variant has not been reported in the literature in individuals affected with CNTNAP2-related conditions. This variant is not present in population databases (gnomAD no frequency). This sequence change replaces leucine, which is neutral and non-polar, with valine, which is neutral and non-polar, at codon 271 of the CNTNAP2 protein (p.Leu271Val).

NM_014141.6(CNTNAP2):c.811C>G (p.Leu271Val)

Gene: CNTNAP2 (contactin associated protein 2; plus strand). Cytogenetic location: 7q35.
Variant type: single nucleotide variant.
Coding change: c.811C>G on transcript NM_014141.6 (MANE Select); coding-DNA position 811, C replaced by G.
Protein change: p.Leu271Val; replaces leucine 271 with valine.
Molecular consequence: missense variant.
Genome position (GRCh38, 1-based): chr7:147,121,035, C>G. VCF-style: chr7-147121035-C-G. GRCh37 (hg19) VCF-style: chr7-146818127-C-G.
Other names: short protein forms L271V.
Identifiers: ClinVar variation 2109423 (VCV002109423.4), dbSNP rs2485901485, ClinGen allele CA369923828.
Genomic context (GRCh38, chr7:147,121,035, plus strand): 5'-GCAGGAAGCAACCAGCTTGGCCCCATATATGGCCACACATCAGTGATGACAGGAAGTTTG[C>G]TGGATGACCACCACTGGCACTCTGTGGTCATTGAGCGCCAGGGGCGGAGCATTAACCTCA-3'
Protein context (NP_054860.1, residues 261-281): GHTSVMTGSL[Leu271Val]DDHHWHSVVI